The following is an entry in ClinVar:

NM_001111125.3(IQSEC2):c.3833C>A (p.Ala1278Asp)

Gene: IQSEC2 (IQ motif and Sec7 domain ArfGEF 2; minus strand). Cytogenetic location: Xp11.22.
Variant type: single nucleotide variant.
Coding change: c.3833C>A on transcript NM_001111125.3 (MANE Select); coding-DNA position 3833, C replaced by A.
Protein change: p.Ala1278Asp; replaces alanine 1278 with aspartic acid.
Molecular consequence: missense variant. On other transcripts: 3 prime UTR variant (4), intron variant (2).
Genome position (GRCh38, 1-based): chrX:53,234,853, G>T on the plus strand (C>A on the coding strand, the complement: IQSEC2 is on the minus strand). VCF-style: chrX-53234853-G-T. GRCh37 (hg19) VCF-style: chrX-53264035-G-T.
Other names: c.*318C>A (NM_001410736.1, NM_001441093.1, NM_001441094.1 and 1 more transcripts); c.3451+1469C>A (NM_001441092.1); c.2740+1469C>A (NM_001441095.1); short protein forms A1278D.
Identifiers: ClinVar variation 4622189 (VCV004622189.2).

ClinVar aggregate classification (germline): Conflicting classifications of pathogenicity. Review status: criteria provided, conflicting classifications (1 of 4 stars). 2 submissions from 2 submitters: Uncertain significance (1); Likely benign (1). Last evaluated 2025-11-20.

Conditions:
Inborn genetic diseases. Identifiers: MedGen C0950123, MeSH D030342.
Intellectual developmental disorder, X-linked 1. Also called: Intellectual disability, X-linked 1; Atkin Flaitz Patil Smith syndrome; MENTAL RETARDATION, X-LINKED 18; MENTAL RETARDATION, X-LINKED 78. Identifiers: Orphanet 777, MedGen C2931498, MONDO:0010656, OMIM 309530.

gnomAD v4.1: 1 of 1,145,191 alleles (0.000087%); highest among the groups gnomAD compares: Admixed American, 0.0026%; no homozygotes.

Submissions (2):

Ambry Genetics
Classification: Uncertain significance for Inborn genetic diseases. Last evaluated: 2025-11-20. Review status: criteria provided, single submitter. Criteria: Ambry Variant Classification Scheme 2023. Collection method: clinical testing. Allele origin: germline.
Comment: The c.3833C>A (p.A1278D) alteration is located in exon 15 (coding exon 15) of the IQSEC2 gene. This alteration results from a C to A substitution at nucleotide position 3833, causing the alanine (A) at amino acid position 1278 to be replaced by an aspartic acid (D). Based on data from gnomAD, the A allele has an overall frequency of 0.001% (1/95694) total alleles studied. The highest observed frequency was 0.005% (1/18519) of Latino alleles. Based on insufficient or conflicting evidence, the clinical significance of this alteration remains unclear.

Labcorp Genetics (formerly Invitae), Labcorp
Classification: Likely benign for Intellectual developmental disorder, X-linked 1. Last evaluated: 2025-02-11. Review status: criteria provided, single submitter. Criteria: Invitae Variant Classification Sherloc (09022015). Collection method: clinical testing. Allele origin: germline.